The following is an entry in ClinVar:

NM_001032283.3(TMPO):c.565+2175_565+2176del

Gene: TMPO (thymopoietin; plus strand). Cytogenetic location: 12q23.1.
Variant type: Microsatellite.
Coding change: c.565+2175_565+2176del on transcript NM_001032283.3 (MANE Select); bases 2175 to 2176 of the intron after coding-DNA position 565, 2 bases deleted (AC; older notation c.565+2175_565+2176delAC).
Molecular consequence: intron variant. On other transcripts: frameshift variant (1).
Genome position (GRCh38, 1-based): chr12:98,534,013-98,534,014, AC deleted; deleting any 2 consecutive bases within chr12:98,534,010-98,534,014 gives the same sequence; the c. name uses the placement nearest the transcript's 3' end. VCF-style (leftmost placement, unchanged base first): chr12-98534009-TCA-T. GRCh37 (hg19) VCF-style: chr12-98927787-TCA-T.
Other names: c.1756_1757del, p.Thr586fs (NM_003276.2); c.565+2175_565+2176del (NM_001307975.2, NM_001032284.3); short protein forms T586fs.
Identifiers: ClinVar variation 2968150 (VCV002968150.3), dbSNP rs1565812077, ClinGen allele CA919155625.

ClinVar aggregate classification (germline): Uncertain significance (1 of 4 stars; one submission).

Conditions:
Loeys-Dietz syndrome 2 (LDS2). Also called: Marfan Syndrome type 2; Marfan like connective tissue disorder; MFS 2; TGFBR2-Related Loeys-Dietz Syndrome; MARFAN SYNDROME, TYPE II; AORTIC ANEURYSM, FAMILIAL THORACIC 3. Identifiers: Orphanet 284973, Orphanet 558, MedGen C2674574, MONDO:0012427, OMIM 610168.

Submission:

Labcorp Genetics (formerly Invitae), Labcorp
Classification: Uncertain significance for Loeys-Dietz syndrome 2. Last evaluated: 2023-11-17. Review status: criteria provided, single submitter. Criteria: Invitae Variant Classification Sherloc (09022015). Collection method: clinical testing. Allele origin: germline.
Comment: This sequence change creates a premature translational stop signal (p.Thr586Cysfs*5) in the TMPO gene. While this is not anticipated to result in nonsense mediated decay, it is expected to disrupt the last 109 amino acid(s) of the TMPO protein. This variant is not present in population databases (gnomAD no frequency). This variant has not been reported in the literature in individuals affected with TMPO-related conditions. Experimental studies and prediction algorithms are not available or were not evaluated, and the functional significance of this variant is currently unknown. In summary, the available evidence is currently insufficient to determine the role of this variant in disease. Therefore, it has been classified as a Variant of Uncertain Significance.